The following is an entry in ClinVar:

NM_003742.4(ABCB11):c.2756_2758del (p.Thr919del)

Genes: ABCB11 (ATP binding cassette subfamily B member 11; minus strand), LOC126806400 (CDK7 strongly-dependent group 2 enhancer GRCh37_chr2:169791870-169793069; plus strand). Cytogenetic location: 2q31.1.
Variant type: Deletion.
Coding change: c.2756_2758del on transcript NM_003742.4 (MANE Select); coding-DNA positions 2756 to 2758, 3 bases deleted (CCA; older notation c.2756_2758delCCA).
Protein change: p.Thr919del; deletes threonine 919.
Genome position (GRCh38, 1-based): chr2:168,936,286-168,936,288, TGG deleted on the plus strand (CCA on the coding strand, the reverse complement: ABCB11 is on the minus strand); deleting any 3 consecutive bases within chr2:168,936,286-168,936,289 gives the same sequence; the c. name uses the placement nearest the transcript's 3' end. VCF-style (leftmost placement, unchanged base first): chr2-168936285-CTGG-C. GRCh37 (hg19) VCF-style: chr2-169792795-CTGG-C.
Other names: short protein forms T919del.
Identifiers: ClinVar variation 4846195 (VCV004846195.1).
Genomic context (GRCh38, chr2:168,936,285, plus strand): 5'-ATTACCTGTCCCACCATCTCCAGGGCCTGCTTATCTCGAGAGGCAAATCCTGTCAACATC[CTGG>C]TCTGTGTGGCTCCTGATAAAGCCAAGAAGGGGAAGAAGCACAAGATGACCAGGCTCAGCT-3'

ClinVar aggregate classification (germline): Likely pathogenic (1 of 4 stars; one submission).

Conditions:
Familial intrahepatic cholestasis. Identifiers: Orphanet 284385, MedGen CN296401, MONDO:0017290.

Submission:

Genomenon, Inc
Classification: Likely pathogenic for Familial intrahepatic cholestasis. Last evaluated: 2026-04-14. Review status: criteria provided, single submitter. Criteria: Genomenon Sequence Variant Interpretation Standards - Updated. Collection method: curation. Allele origin: germline. Affected: yes.
Comment: ABCB11 p.Thr919del (c.2756_2758del) is an in-frame deletion variant that results in the loss of Threonine at residue 919. This variant has been observed in at least one proband with an ABCB11-related disorder (PMID:28839429). It has been observed in trans with a pathogenic or likely pathogenic variant (PMID:28839429). At least one functional study has demonstrated a substantial alteration in protein function relative to the wild-type (PMID:28839429). It is absent or not present at a significant frequency in gnomAD. In conclusion, we classify ABCB11 p.Thr923Pro (c.2767A>C) as a likely pathogenic variant.

Literature cited by the submitters: PubMed 28839429.